The following is an entry in ClinVar:

NM_001365951.3(KIF1B):c.5246C>T (p.Thr1749Ile)

Gene: KIF1B (kinesin family member 1B; plus strand). Cytogenetic location: 1p36.22.
Variant type: single nucleotide variant.
Coding change: c.5246C>T on transcript NM_001365951.3 (MANE Select); coding-DNA position 5246, C replaced by T.
Protein change: p.Thr1749Ile; replaces threonine 1749 with isoleucine.
Molecular consequence: missense variant.
Genome position (GRCh38, 1-based): chr1:10,375,003, C>T. VCF-style: chr1-10375003-C-T. GRCh37 (hg19) VCF-style: chr1-10435061-C-T.
Other names: c.5246C>T, p.Thr1749Ile (NM_001365952.1); c.5108C>T, p.Thr1703Ile (NM_015074.3); short protein forms T1703I, T1749I.
Identifiers: ClinVar variation 5023214 (VCV005023214.1).

ClinVar aggregate classification (germline): Uncertain significance (1 of 4 stars; one submission).

gnomAD v4.1: 1 of 1,614,166 alleles (0.000062%); no homozygotes.

Submission:

Ambry Genetics
Classification: Uncertain significance. Last evaluated: 2026-08-10. Review status: criteria provided, single submitter. Criteria: Ambry Variant Classification Scheme 2023. Collection method: clinical testing. Allele origin: germline.
Comment: The p.T1703I variant (also known as c.5108C>T), located in coding exon 44 of the KIF1B gene, results from a C to T substitution at nucleotide position 5108. The threonine at codon 1703 is replaced by isoleucine, an amino acid with similar properties. This amino acid position is conserved. In addition, the in silico prediction for this alteration is inconclusive. Based on the available evidence, the clinical significance of this variant remains unclear.